The following is an entry in ClinVar:

NM_000070.3(CAPN3):c.1343G>T (p.Arg448Leu)

Gene: CAPN3 (calpain 3; plus strand). Cytogenetic location: 15q15.1.
Variant type: single nucleotide variant.
Coding change: c.1343G>T on transcript NM_000070.3 (MANE Select); coding-DNA position 1343, G replaced by T.
Protein change: p.Arg448Leu; replaces arginine 448 with leucine.
Molecular consequence: missense variant.
Genome position (GRCh38, 1-based): chr15:42,399,641, G>T. VCF-style: chr15-42399641-G-T. GRCh37 (hg19) VCF-style: chr15-42691839-G-T.
Other names: NM_000070.3(CAPN3):c.1343G>T; p.Arg448Leu; c.1343G>T, p.Arg448Leu (NM_024344.2); c.1199G>T, p.Arg400Leu (NM_173087.2); c.1343G>T (NM_000070.2); short protein forms R400L, R448L.
Identifiers: ClinVar variation 1180840 (VCV001180840.4), dbSNP rs863224956, ClinGen allele CA391999624.

ClinVar aggregate classification (germline): Likely pathogenic. Review status: reviewed by expert panel (3 of 4 stars). 4 submissions from 4 submitters: Likely pathogenic (1). 3 of the submissions do not count toward it. Last evaluated 2026-03-12.

Conditions:
Muscular dystrophy, limb-girdle, autosomal dominant 4. Also called: MUSCULAR DYSTROPHY, LIMB-GIRDLE, TYPE 1I; Calpain-3-related limb-girdle muscular dystrophy D4. Identifiers: Orphanet 565909, MedGen C4748295, MONDO:0029133, OMIM 618129.
Autosomal recessive limb-girdle muscular dystrophy. Identifiers: Orphanet 102015, MedGen C2931907, MONDO:0015152.
Abnormality of the musculature. Identifiers: MedGen C4021745, HP:0003011.

Submissions (4):

ClinGen Limb Girdle Muscular Dystrophy Variant Curation Expert Panel, ClinGen
Classification: Likely pathogenic for Autosomal recessive limb-girdle muscular dystrophy. Last evaluated: 2026-03-12. Review status: reviewed by expert panel. Criteria: ClinGen LGMD VCEP ACMG Specifications CAPN3 V2.0.0. Collection method: curation. Allele origin: germline. Inheritance: Autosomal recessive inheritance.
Comment: The NM_000070.3: c.1343G>T variant in CAPN3 is a missense variant predicted to cause the substitution of arginine by leucine at amino acid position 448, p.(Arg448Leu). This variant has been identified in at least six unrelated individuals with features consistent with LGMD (PMID: 25987458, 29797799, 22926650, 33250842, 32994280, 28403181), including in a homozygous state in one patient without reported consanguinity (0.5 pts, PMID: 32994280), confirmed in trans with a pathogenic variant in one patient (c.734dup p.(Ser246Ter), 1.0 pt, PMID: 28403181), and in unconfirmed phase with a pathogenic variant in one patient (c.2120A>G p.(Asp707Gly), 0.5 pts, PMID: 3299428). In two other patients, it was reported in unconfirmed phase with a variant classified as likely pathogenic by the VCEP (c.1319G>A p.(Arg440Gln), 0.25 pts, PMID: 33250842; c.2306G>C p.(Arg769Pro), 0.25 pts, PMID: 25987458) (PM3_Strong). At least one patient with this variant and a second presumed diagnostic CAPN3 allele displayed progressive limb girdle muscle weakness and reduced (<50%) or absent expression of calpain-3 protein in skeletal muscle, though the exact level was not specified (PMID: 22926650; PP4). This variant is absent from gnomAD v.4.1.0, meeting the criteria for PM2_Supporting. The computational predictor REVEL gives a score of 0.872, which is above the LGMD VCEP threshold of ≥0.70, evidence that correlates with impact to CAPN3 function. In addition, another missense variant at the same codon, c.1343G>A (p.Arg448His), has been classified as Pathogenic for autosomal recessive limb girdle muscular dystrophy by the LGMD VCEP (PM5). In summary, this variant meets the criteria to be classified as Likely Pathogenic for autosomal recessive limb girdle muscular dystrophy based on the ACMG/AMP criteria applied, as specified by the ClinGen LGMD VCEP (LGMD VCEP specifications version 2.0.0; 03/12/2026): PM3_Strong, PP4, PM2_Supporting, PP3, PM5.

Baylor Genetics
Classification: Pathogenic for Muscular dystrophy, limb-girdle, autosomal dominant 4. Last evaluated: 2024-02-21. Review status: criteria provided, single submitter. Criteria: ACMG Guidelines, 2015. Collection method: clinical testing. Allele origin: unknown. Not counted in ClinVar's aggregate classification.

Women's Health and Genetics/Laboratory Corporation of America, LabCorp
Classification: Pathogenic for Autosomal recessive limb-girdle muscular dystrophy. Last evaluated: 2023-07-24. Review status: criteria provided, single submitter. Criteria: LabCorp Variant Classification Summary - May 2015. Collection method: clinical testing. Allele origin: germline. Not counted in ClinVar's aggregate classification.
Comment: Variant summary: CAPN3 c.1343G>T (p.Arg448Leu) results in a non-conservative amino acid change located in the calpain large subunit, domain III (IPR022682) of the encoded protein sequence. Five of five in-silico tools predict a damaging effect of the variant on protein function. The variant was absent in 235170 control chromosomes (gnomAD). c.1343G>T has been reported in the literature as a biallelic genotype in individuals affected with autosomal recessive Limb-Girdle Muscular Dystrophy, including at least one case where it was confirmed to be in trans with a pathogenic variant (e.g. Luo_2012, Dai_2015, Yu_2017, Chakravorty_2021, Zhong_2021). These data indicate that the variant is likely to be associated with disease. To our knowledge, no experimental evidence demonstrating an impact on protein function has been reported. However, it has been reported in a homozygous individual who exhibited a loss of calpain-3 expression as determined by Western blotting (Feng_2018) and there are multiple other missense variants affecting the same amino acid (e.g. R448G, R448C, R448H) which have been classified as pathogenic, suggesting Arg448 is important for protein function and alterations to this residue are likely to be disease-causing. The following publications have been ascertained in the context of this evaluation (PMID: 33250842, 25987458, 29797799, 22926650, 28403181, 32994280). One submitter has provided a clinical-significance assessment for this variant to ClinVar after 2014 and has classified the variant as pathogenic. Based on the evidence outlined above, the variant was classified as pathogenic.

Kariminejad - Najmabadi Pathology & Genetics Center
Classification: Pathogenic for Abnormality of the musculature. Last evaluated: 2021-07-10. Review status: criteria provided, single submitter. Criteria: ACMG Guidelines, 2015. Collection method: clinical testing. Allele origin: germline. Affected: yes. Not counted in ClinVar's aggregate classification.

Literature cited by the submitters: PubMed 33250842 (cited by Women's Health and Genetics/Laboratory Corporation of America, LabCorp); PubMed 29797799 (cited by Women's Health and Genetics/Laboratory Corporation of America, LabCorp); PubMed 32994280 (cited by Women's Health and Genetics/Laboratory Corporation of America, LabCorp); PubMed 28403181 (cited by Women's Health and Genetics/Laboratory Corporation of America, LabCorp); PubMed 25987458 (cited by Women's Health and Genetics/Laboratory Corporation of America, LabCorp); PubMed 22926650 (cited by Women's Health and Genetics/Laboratory Corporation of America, LabCorp).